The following is an entry in ClinVar:

NM_172107.4(KCNQ2):c.814C>A (p.Leu272Met)

Gene: KCNQ2 (potassium voltage-gated channel subfamily Q member 2; minus strand). Cytogenetic location: 20q13.33.
Variant type: single nucleotide variant.
Coding change: c.814C>A on transcript NM_172107.4 (MANE Select); coding-DNA position 814, C replaced by A.
Protein change: p.Leu272Met; replaces leucine 272 with methionine.
Molecular consequence: missense variant.
Genome position (GRCh38, 1-based): chr20:63,442,408, G>T on the plus strand (C>A on the coding strand, the complement: KCNQ2 is on the minus strand). VCF-style: chr20-63442408-G-T. GRCh37 (hg19) VCF-style: chr20-62073761-G-T.
Other names: c.814C>A, p.Leu272Met (NM_001382235.1, NM_004518.6, NM_172106.3 and 2 more transcripts); short protein forms L272M.
Identifiers: ClinVar variation 1428513 (VCV001428513.9), dbSNP rs2145735086, ClinGen allele CA409653333.

ClinVar aggregate classification (germline): Uncertain significance (1 of 4 stars; one submission).

Conditions:
Early-infantile DEE. Also called: Ohtahara syndrome; Early infantile epileptic encephalopathy with suppression bursts; Early infantile epileptic encephalopathy. Identifiers: Orphanet 1934, MedGen C0393706, MONDO:0800491.

Submission:

Labcorp Genetics (formerly Invitae), Labcorp
Classification: Uncertain significance for Early-infantile DEE. Last evaluated: 2021-04-29. Review status: criteria provided, single submitter. Criteria: Invitae Variant Classification Sherloc (09022015). Collection method: clinical testing. Allele origin: germline.
Comment: In summary, the available evidence is currently insufficient to determine the role of this variant in disease. Therefore, it has been classified as a Variant of Uncertain Significance. Algorithms developed to predict the effect of missense changes on protein structure and function are either unavailable or do not agree on the potential impact of this missense change (SIFT: "Tolerated"; PolyPhen-2: "Possibly Damaging"; Align-GVGD: "Class C0"). This variant has not been reported in the literature in individuals with KCNQ2-related conditions. This variant is not present in population databases (ExAC no frequency). This sequence change replaces leucine with methionine at codon 272 of the KCNQ2 protein (p.Leu272Met). The leucine residue is moderately conserved and there is a small physicochemical difference between leucine and methionine.